The following is an entry in ClinVar:

NM_000093.5(COL5A1):c.2446C>G (p.Pro816Ala)

Gene: COL5A1 (collagen type V alpha 1 chain; plus strand). Cytogenetic location: 9q34.3.
Variant type: single nucleotide variant.
Coding change: c.2446C>G on transcript NM_000093.5 (MANE Select); coding-DNA position 2446, C replaced by G.
Protein change: p.Pro816Ala; replaces proline 816 with alanine.
Molecular consequence: missense variant.
Genome position (GRCh38, 1-based): chr9:134,782,682, C>G. VCF-style: chr9-134782682-C-G. GRCh37 (hg19) VCF-style: chr9-137674528-C-G.
Other names: p.Pro816Ala; c.2446C>G, p.Pro816Ala (NM_001278074.1); short protein forms P816A.
Identifiers: ClinVar variation 3379936 (VCV003379936.1).
Genomic context (GRCh38, chr9:134,782,682, plus strand): 5'-GGGTCCTCTTGCCTAGACTAGGGCACTCTCTTGTCCCATATTCAGGGTGAAGACGGCTTT[C>G]CTGGGTTTAAAGGAGACATGGGCATCAAGGGTGATCGGGTGAGCATCTCAGGTTTGGGAT-3'
Protein context (NP_000084.3, residues 806-826): TKGEKGEDGF[Pro816Ala]GFKGDMGIKG

ClinVar aggregate classification (germline): Uncertain significance (1 of 4 stars; one submission).

gnomAD v4.1: 2 of 1,614,002 alleles (0.00012%); highest among the groups gnomAD compares: Non-Finnish European, 0.00017%; no homozygotes.

Submission:

Mayo Clinic Laboratories, Mayo Clinic
Classification: Uncertain significance. Last evaluated: 2024-05-24. Review status: criteria provided, single submitter. Criteria: ACMG Guidelines, 2015. Collection method: clinical testing. Allele origin: germline. Observed: 1 variant allele.
Comment: PM2